The following is an entry in ClinVar:

NM_000179.3(MSH6):c.260+2214C>T

Gene: MSH6 (mutS homolog 6; plus strand). Cytogenetic location: 2p16.3.
Variant type: single nucleotide variant.
Coding change: c.260+2214C>T on transcript NM_000179.3 (MANE Select); 2214 bases into the intron after coding-DNA position 260, C replaced by T.
Molecular consequence: intron variant.
Genome position (GRCh38, 1-based): chr2:47,785,707, C>T. VCF-style: chr2-47785707-C-T. GRCh37 (hg19) VCF-style: chr2-48012846-C-T.
Other names: c.-477+2214C>T (NM_001281493.2); c.237+2237C>T (NM_001281492.2); c.-643+1602C>T (NM_001281494.2).
Identifiers: ClinVar variation 89294 (VCV000089294.3), dbSNP rs3136245, ClinGen allele CA010521.

ClinVar aggregate classification (germline): Benign (3 of 4 stars; one submission).

Conditions:
Lynch syndrome. Identifiers: Orphanet 144, MedGen C4552100, MONDO:0005835. Disease mechanism: loss of function.

Allele frequency attached by ClinVar (database versions not stated): gnomAD 0.16684 and 0.18177; TOPMed 0.17856; 1000 Genomes Project 30x 0.28435; 1000 Genomes Project 0.29433.
gnomAD v4.1: 27,664 of 152,050 alleles (18%); highest among the groups gnomAD compares: East Asian, 62%; 3,569 homozygotes.

Submission:

International Society for Gastrointestinal Hereditary Tumours (InSiGHT)
Classification: Benign for Lynch Syndrome. Last evaluated: 2013-09-05. Review status: reviewed by expert panel. Criteria: Guidelines v1.9. Collection method: research. Allele origin: germline.
Comment: MAF >1%

Classified with v1.9 guidelines
ClinVar note: Converted during submission from no known pathogenicity to Benign.